The following is an entry in ClinVar:

NM_147127.5(EVC2):c.2815G>A (p.Asp939Asn)

Gene: EVC2 (EvC ciliary complex subunit 2; minus strand). Cytogenetic location: 4p16.2.
Variant type: single nucleotide variant.
Coding change: c.2815G>A on transcript NM_147127.5 (MANE Select); coding-DNA position 2815, G replaced by A.
Protein change: p.Asp939Asn; replaces aspartic acid 939 with asparagine.
Molecular consequence: missense variant.
Genome position (GRCh38, 1-based): chr4:5,615,436, C>T on the plus strand (G>A on the coding strand, the complement: EVC2 is on the minus strand). VCF-style: chr4-5615436-C-T. GRCh37 (hg19) VCF-style: chr4-5617163-C-T.
Other names: c.2575G>A, p.Asp859Asn (NM_001166136.2); short protein forms D859N, D939N.
Identifiers: ClinVar variation 2927844 (VCV002927844.3), dbSNP rs1281522539, ClinGen allele CA356142216.

ClinVar aggregate classification (germline): Uncertain significance (1 of 4 stars; one submission).

Conditions:
Curry-Hall syndrome (WAD). Also called: WEYERS ACRODENTAL DYSOSTOSIS. Identifiers: Orphanet 952, MedGen C0457013, MONDO:0008673, OMIM 193530.
Ellis-van Creveld syndrome (EVC). Also called: EVC-Related Ellis-van Creveld Syndrome; EVC2-Related Ellis-van Creveld Syndrome; MESOECTODERMAL DYSPLASIA; Chondroectodermal dysplasia. Identifiers: Orphanet 289, MedGen C0013903, MONDO:0009162, OMIM 225500.

Allele frequency attached by ClinVar (database versions not stated): gnomAD exomes 0.00001; gnomAD 0.00002; TOPMed 0.00002.
gnomAD v4.1: 9 of 1,614,074 alleles (0.00056%); highest among the groups gnomAD compares: Admixed American, 0.012%; no homozygotes.

Submission:

Labcorp Genetics (formerly Invitae), Labcorp
Classification: Uncertain significance for Curry-Hall syndrome; Ellis-van Creveld syndrome. Last evaluated: 2023-12-16. Review status: criteria provided, single submitter. Criteria: Invitae Variant Classification Sherloc (09022015). Collection method: clinical testing. Allele origin: germline.
Comment: This sequence change replaces aspartic acid, which is acidic and polar, with asparagine, which is neutral and polar, at codon 939 of the EVC2 protein (p.Asp939Asn). This variant is present in population databases (no rsID available, gnomAD 0.02%). This variant has not been reported in the literature in individuals affected with EVC2-related conditions. An algorithm developed to predict the effect of missense changes on protein structure and function (PolyPhen-2) suggests that this variant is likely to be disruptive. In summary, the available evidence is currently insufficient to determine the role of this variant in disease. Therefore, it has been classified as a Variant of Uncertain Significance.